The following is an entry in ClinVar:

ClinVar aggregate classification (germline): Uncertain significance (1 of 4 stars; one submission).

Conditions:
SDCCAG8-related disorder. Also called: SDCCAG8-Related Disorders; SDCCAG8-related condition.

Submission:

PreventionGenetics, part of Exact Sciences
Classification: Uncertain significance for SDCCAG8-related condition. Last evaluated: 2026-07-13. Review status: criteria provided, single submitter. Criteria: ACMG Guidelines, 2015. Collection method: clinical testing. Allele origin: germline.
Comment: The SDCCAG8 c.377C>T variant is predicted to result in the amino acid substitution p.Ser126Phe. To our knowledge, this variant has not been reported in the literature or in a large population database (gnomAD), indicating this variant is rare. At this time, the clinical significance of this variant is uncertain due to the absence of conclusive functional and genetic evidence.

NM_006642.5(SDCCAG8):c.377C>T (p.Ser126Phe)

Gene: SDCCAG8 (SHH signaling and ciliogenesis regulator SDCCAG8; plus strand). Cytogenetic location: 1q43.
Variant type: single nucleotide variant.
Coding change: c.377C>T on transcript NM_006642.5 (MANE Select); coding-DNA position 377, C replaced by T.
Protein change: p.Ser126Phe; replaces serine 126 with phenylalanine.
Molecular consequence: missense variant. On other transcripts: 5 prime UTR variant (3).
Genome position (GRCh38, 1-based): chr1:243,274,613, C>T. VCF-style: chr1-243274613-C-T. GRCh37 (hg19) VCF-style: chr1-243437915-C-T.
Other names: c.-736C>T (NM_001350246.2); c.-624C>T (NM_001350247.2); c.377C>T, p.Ser126Phe (NM_001350248.2); c.83C>T, p.Ser28Phe (NM_001350249.2); c.-997C>T (NM_001350251.2); short protein forms S126F, S28F.
Identifiers: ClinVar variation 4996470 (VCV004996470.1).